The following is an entry in ClinVar:

ClinVar aggregate classification (germline): Uncertain significance (1 of 4 stars; one submission).

Conditions:
Joubert syndrome. Also called: Familial aplasia of the vermis; CEREBELLOPARENCHYMAL DISORDER IV; JOUBERT-BOLTSHAUSER SYNDROME. Identifiers: Orphanet 475, MedGen C5979921, MONDO:0018772.

Submission:

Labcorp Genetics (formerly Invitae), Labcorp
Classification: Uncertain significance for Joubert syndrome. Last evaluated: 2022-10-05. Review status: criteria provided, single submitter. Criteria: Invitae Variant Classification Sherloc (09022015). Collection method: clinical testing. Allele origin: germline.
Comment: A copy number gain of the genomic region encompassing the full coding sequence of the INPP5E gene has been identified. The boundaries of this event are unknown as they extend beyond the assayed region for this gene and therefore may encompass additional genes. As the precise location of this event is unknown, it may be in tandem or it may be located elsewhere in the genome. This variant has not been reported in the literature in individuals affected with INPP5E-related conditions. In summary, the available evidence is currently insufficient to determine the role of this variant in disease. Therefore, it has been classified as a Variant of Uncertain Significance.

NC_000009.11:g.(?_139297240)_(139572028_?)dup

Genes: EGFL7 (EGF like domain multiple 7; plus strand), ENTR1 (endosome associated trafficking regulator 1; minus strand), AGPAT2 (1-acylglycerol-3-phosphate O-acyltransferase 2; minus strand), C9orf163 (chromosome 9 putative open reading frame 163; plus strand), INPP5E (inositol polyphosphate-5-phosphatase E; minus strand) and 4 more. Cytogenetic location: 9q34.3.
Variant type: Duplication.
Identifiers: ClinVar variation 1062726 (VCV001062726.2).